The following is an entry in ClinVar:

ClinVar aggregate classification (germline): Uncertain significance (1 of 4 stars; one submission).

Conditions:
Brugada syndrome. Also called: Sudden unexpected nocturnal death syndrome; Sudden Unexplained Death Syndrome; Sudden Unexplained Nocturnal Death Syndrome (SUNDS); Sudden unexplained nocturnal death syndrome. Identifiers: Orphanet 130, MedGen C1142166, MONDO:0015263.

Submission:

Labcorp Genetics (formerly Invitae), Labcorp
Classification: Uncertain significance for Brugada syndrome. Last evaluated: 2022-12-16. Review status: criteria provided, single submitter. Criteria: Invitae Variant Classification Sherloc (09022015). Collection method: clinical testing. Allele origin: germline.
Comment: This sequence change replaces threonine, which is neutral and polar, with asparagine, which is neutral and polar, at codon 282 of the CACNA2D1 protein (p.Thr282Asn). This variant is not present in population databases (gnomAD no frequency). This variant has not been reported in the literature in individuals affected with CACNA2D1-related conditions. Algorithms developed to predict the effect of missense changes on protein structure and function (SIFT, PolyPhen-2, Align-GVGD) all suggest that this variant is likely to be disruptive. In summary, the available evidence is currently insufficient to determine the role of this variant in disease. Therefore, it has been classified as a Variant of Uncertain Significance.

NM_000722.4(CACNA2D1):c.845C>A (p.Thr282Asn)

Gene: CACNA2D1 (calcium voltage-gated channel auxiliary subunit alpha2delta 1; minus strand). Cytogenetic location: 7q21.11.
Variant type: single nucleotide variant.
Coding change: c.845C>A on transcript NM_000722.4 (MANE Select); coding-DNA position 845, C replaced by A.
Protein change: p.Thr282Asn; replaces threonine 282 with asparagine.
Molecular consequence: missense variant.
Genome position (GRCh38, 1-based): chr7:82,060,462, G>T on the plus strand (C>A on the coding strand, the complement: CACNA2D1 is on the minus strand). VCF-style: chr7-82060462-G-T. GRCh37 (hg19) VCF-style: chr7-81689778-G-T.
Other names: c.845C>A, p.Thr282Asn (NM_001302890.2, NM_001366867.1); short protein forms T282N.
Identifiers: ClinVar variation 2821439 (VCV002821439.3), dbSNP rs2486042272, ClinGen allele CA368016184.
Genomic context (GRCh38, chr7:82,060,462, plus strand): 5'-GGAAAATGCAGTCATCTTATACTTACTGAAGCTACATTCACGAAATCATCATCTGAGAGG[G>T]TTTCTAACATTTCGGAGACAGATGTTCGGATCAGTTTAAGTGTCAATCCACTAACACTTC-3'
Protein context (NP_000713.2, residues 272-292): IRTSVSEMLE[Thr282Asn]LSDDDFVNVA